The following is an entry in ClinVar:

ClinVar aggregate classification (germline): Uncertain significance. Review status: criteria provided, multiple submitters, no conflicts (2 of 4 stars). 3 submissions from 3 submitters: Uncertain significance (3). Last evaluated 2026-10-20.

Conditions:
X-linked intellectual disability with marfanoid habitus. Also called: Lujan Syndrome; Lujan Syndrome (LS); X-linked mental retardation with marfanoid habitus syndrome; INTELLECTUAL DEVELOPMENTAL DISORDER, X-LINKED, SYNDROMIC, LUJAN-FRYNS TYPE. Identifiers: Orphanet 776, MedGen C0796022, MONDO:0010655, OMIM 309520.
Cholestasis-pigmentary retinopathy-cleft palate syndrome (HDKR). Also called: Hardikar Syndrome (HS). Identifiers: Orphanet 1415, MedGen C0795969, MeSH C535632, MONDO:0012997, OMIM 301068.
Blepharophimosis - intellectual disability syndrome, MKB type. Also called: BLEPHAROPHIMOSIS-MENTAL RETARDATION SYNDROME, MAAT-KIEVIT-BRUNNER TYPE; Ohdo syndrome, X-linked; X-Linked Ohdo Syndrome (XLOS). Identifiers: Orphanet 293707, MedGen C3698541, MONDO:0010477, OMIM 300895.
FG syndrome 1 (OKS). Also called: FG Syndrome Type 1 (FGS1); OPITZ-KAVEGGIA SYNDROME; KELLER SYNDROME; MENTAL RETARDATION, LARGE HEAD, IMPERFORATE ANUS, CONGENITAL HYPOTONIA, AND PARTIAL AGENESIS OF CORPUS CALLOSUM. Identifiers: Orphanet 93932, MedGen C5399762, MONDO:0010590, OMIM 305450.
FG syndrome (FGS). Identifiers: MedGen C0220769, MONDO:0002010.

Allele frequency attached by ClinVar (database versions not stated): gnomAD exomes below 0.00001.

Submissions (3):

GeneDx
Classification: Uncertain significance. Last evaluated: 2026-10-20. Review status: criteria provided, single submitter. Criteria: GeneDx Variant Classification Process June 2021. Collection method: clinical testing. Allele origin: germline.
Comment: Not observed at significant frequency in large population cohorts (gnomAD); In silico analysis suggests that this missense variant does not alter protein structure/function; Has not been previously published as pathogenic or benign to our knowledge

Labcorp Genetics (formerly Invitae), Labcorp
Classification: Uncertain significance for FG syndrome. Last evaluated: 2026-01-21. Review status: criteria provided, single submitter. Criteria: Invitae Variant Classification Sherloc (09022015). Collection method: clinical testing. Allele origin: germline.
Comment: This sequence change replaces glycine, which is neutral and non-polar, with arginine, which is basic and polar, at codon 1254 of the MED12 protein (p.Gly1254Arg). This variant is not present in population databases (gnomAD no frequency). This variant has not been reported in the literature in individuals affected with MED12-related conditions. ClinVar contains an entry for this variant (Variation ID: 1200703). Invitae Evidence Modeling of protein sequence and biophysical properties (such as structural, functional, and spatial information, amino acid conservation, physicochemical variation, residue mobility, and thermodynamic stability) indicates that this missense variant is not expected to disrupt MED12 protein function with a negative predictive value of 95%. In summary, the available evidence is currently insufficient to determine the role of this variant in disease. Therefore, it has been classified as a Variant of Uncertain Significance.

Fulgent Genetics
Classification: Uncertain significance for Blepharophimosis - intellectual disability syndrome, MKB type; Cholestasis-pigmentary retinopathy-cleft palate syndrome; FG syndrome 1; X-linked intellectual disability with marfanoid habitus. Last evaluated: 2024-01-19. Review status: criteria provided, single submitter. Criteria: ACMG Guidelines, 2015. Collection method: clinical testing. Allele origin: germline.

NM_005120.3(MED12):c.3760G>A (p.Gly1254Arg)

Gene: MED12 (mediator complex subunit 12; plus strand). Cytogenetic location: Xq13.1.
Variant type: single nucleotide variant.
Coding change: c.3760G>A on transcript NM_005120.3 (MANE Select); coding-DNA position 3760, G replaced by A.
Protein change: p.Gly1254Arg; replaces glycine 1254 with arginine.
Molecular consequence: missense variant.
Genome position (GRCh38, 1-based): chrX:71,129,748, G>A. VCF-style: chrX-71129748-G-A. GRCh37 (hg19) VCF-style: chrX-70349598-G-A.
Other names: short protein forms G1254R.
Identifiers: ClinVar variation 1200703 (VCV001200703.10), dbSNP rs1459632977, ClinGen allele CA413522300.
Genomic context (GRCh38, chrX:71,129,748, plus strand): 5'-GAACTGAAAGGTTCAGGCTTCACTGTGACAGGAGGAACAGAAGAACTTCCAGAGGAGGAG[G>A]GAGGAGGTGGCAGTGGTGGTCGGAGGCAGGGTGGCCGCAACATCTCTGTGGAGACAGCCA-3'
Protein context (NP_005111.2, residues 1244-1264): GGTEELPEEE[Gly1254Arg]GGGSGGRRQG